The following is an entry in ClinVar:

NM_001276345.2(TNNT2):c.568A>G (p.Asn190Asp)

Gene: TNNT2 (troponin T2, cardiac type; minus strand). Cytogenetic location: 1q32.1.
Variant type: single nucleotide variant.
Coding change: c.568A>G on transcript NM_001276345.2 (MANE Select); coding-DNA position 568, A replaced by G.
Protein change: p.Asn190Asp; replaces asparagine 190 with aspartic acid.
Molecular consequence: missense variant.
Genome position (GRCh38, 1-based): chr1:201,363,328, T>C on the plus strand (A>G on the coding strand, the complement: TNNT2 is on the minus strand). VCF-style: chr1-201363328-T-C. GRCh37 (hg19) VCF-style: chr1-201332456-T-C.
Other names: c.568A>G, p.Asn190Asp (NM_000364.4, NM_001406723.1); c.538A>G, p.Asn180Asp (NM_001001430.3, NM_001001431.3, NM_001276347.2 and 3 more transcripts); c.523A>G, p.Asn175Asp (NM_001001432.3, NM_001406728.1); c.448A>G, p.Asn150Asp (NM_001276346.2); c.535A>G, p.Asn179Asp (NM_001406725.1); short protein forms N150D, N175D, N179D, N180D, N190D.
Identifiers: ClinVar variation 3372971 (VCV003372971.1).
Genomic context (GRCh38, chr1:201,363,328, plus strand): 5'-CTGGCAACCCCTGCTGCTCCCTACCTACCTTCTGGATGTAACCCCCAAAATGCATCATGT[T>C]GGACAAAGCCTTCTTCTTCCGGGCCTCATCCTCAGCCTTCCTCCTGTTCTCCTCCTCCTC-3'
Protein context (NP_001263274.1, residues 180-200): DEARKKKALS[Asn190Asp]MMHFGGYIQK

ClinVar aggregate classification (germline): Uncertain significance (1 of 4 stars; one submission).

Submission:

GeneDx
Classification: Uncertain significance. Last evaluated: 2024-04-22. Review status: criteria provided, single submitter. Criteria: GeneDx Variant Classification Process June 2021. Collection method: clinical testing. Allele origin: germline. Affected: yes.
Comment: Not observed at significant frequency in large population cohorts (gnomAD); In silico analysis supports that this missense variant has a deleterious effect on protein structure/function; Has not been previously published as pathogenic or benign to our knowledge